The following is an entry in ClinVar:

NM_000059.4(BRCA2):c.2095_2096del (p.Gln699fs)

Gene: BRCA2 (BRCA2 DNA repair associated; plus strand). Cytogenetic location: 13q13.1.
Variant type: Deletion.
Coding change: c.2095_2096del on transcript NM_000059.4 (MANE Select); coding-DNA positions 2095 to 2096, 2 bases deleted (CA; older notation c.2095_2096delCA).
Protein change: p.Gln699fs; shifts the reading frame from glutamine 699.
Molecular consequence: frameshift variant.
Genome position (GRCh38, 1-based): chr13:32,336,450-32,336,451, CA deleted; deleting any 2 consecutive bases within chr13:32,336,449-32,336,451 gives the same sequence; the c. name uses the placement nearest the transcript's 3' end. VCF-style (leftmost placement, unchanged base first): chr13-32336448-TAC-T. GRCh37 (hg19) VCF-style: chr13-32910585-TAC-T.
Other names: 2323delCA; c.2095_2096delCA (NM_000059.3).
Identifiers: ClinVar variation 266676 (VCV000266676.61), dbSNP rs886040403, ClinGen allele CA10589134.

ClinVar aggregate classification (germline): Pathogenic. Review status: reviewed by expert panel (3 of 4 stars). 7 submissions from 6 submitters: Pathogenic (1). 6 of the submissions do not count toward it. Last evaluated 2016-10-18.

Conditions:
Hereditary breast ovarian cancer syndrome. Also called: Hereditary breast and ovarian cancer; Hereditary breast and ovarian cancer syndrome (HBOC); Hereditary breast and/or ovarian cancer syndrome; Breast and ovarian cancer; Hereditary breast and ovarian cancer syndrome; BRCA1- and BRCA2-Associated Hereditary Breast and Ovarian Cancer. Identifiers: Orphanet 145, MedGen C0677776, MeSH D061325, MONDO:0003582. Disease mechanism: loss of function.
Familial cancer of breast. Also called: Hereditary breast cancer; BREAST CANCER, FAMILIAL; hereditary breast carcinoma. Identifiers: Orphanet 227535, MedGen C0346153, MONDO:0016419, OMIM 114480. Disease mechanism: loss of function.
Hereditary cancer-predisposing syndrome. Also called: Tumor predisposition; Neoplastic Syndromes, Hereditary; Hereditary neoplastic syndrome; Hereditary Cancer Syndrome. Identifiers: Orphanet 140162, MedGen C0027672, MeSH D009386, MONDO:0015356.
Breast-ovarian cancer, familial, susceptibility to, 2 (BROVCA2). Also called: BRCA2 Hereditary Breast and Ovarian Cancer. Identifiers: Orphanet 145, MedGen C2675520, MONDO:0012933, OMIM 612555. Disease mechanism: loss of function.

Submissions (7):

Evidence-based Network for the Interpretation of Germline Mutant Alleles (ENIGMA)
Classification: Pathogenic for Breast-ovarian cancer, familial, susceptibility to, 2. Last evaluated: 2016-10-18. Review status: reviewed by expert panel. Criteria: ENIGMA BRCA1/2 Classification Criteria (2015). Collection method: curation. Allele origin: germline.
Comment: Variant allele predicted to encode a truncated non-functional protein.

Labcorp Genetics (formerly Invitae), Labcorp
Classification: Pathogenic for Hereditary breast ovarian cancer syndrome. Last evaluated: 2025-12-27. Review status: criteria provided, single submitter. Criteria: Invitae Variant Classification Sherloc (09022015). Collection method: clinical testing. Allele origin: germline. Not counted in ClinVar's aggregate classification.
Comment: This sequence change creates a premature translational stop signal (p.Gln699Valfs*8) in the BRCA2 gene. It is expected to result in an absent or disrupted protein product. Loss-of-function variants in BRCA2 are known to be pathogenic (PMID: 20104584). This variant is not present in population databases (gnomAD no frequency). This premature translational stop signal has been observed in individual(s) with breast and ovarian cancer (PMID: 30093976). ClinVar contains an entry for this variant (Variation ID: 266676). For these reasons, this variant has been classified as Pathogenic.

GeneKor MSA
Classification: Pathogenic for Hereditary breast ovarian cancer syndrome. Last evaluated: 2025-06-25. Review status: criteria provided, single submitter. Criteria: ACMG Guidelines, 2015. Collection method: clinical testing. Allele origin: germline. Not counted in ClinVar's aggregate classification.
Comment: This is a two-nucleotide deletion in exon 11 of the BRCA2 mRNA c.(2095_2096delCA), causing a frameshift after codon 699 and the creation of a premature translational stop signal 8 amino acid residues later p.(Gln699Valfs*8). This is expected to result in an absent or disrupted protein product. Truncating variants in BRCA2 are known to be pathogenic (PMID:20104584). This variation is not present in population databases (rs886040403). This alteration has been reported in individual(s) with breast and ovarian cancer (PMID:30093976). The mutation database ClinVar contains entries for this variant (VCV000266676.58). Based on the classification criteria set by the ACMG and AMP (PMID:25741868) this variant has been classified as pathogenic.

Ambry Genetics
Classification: Pathogenic for Hereditary cancer-predisposing syndrome. Last evaluated: 2025-06-23. Review status: criteria provided, single submitter. Criteria: Ambry Variant Classification Scheme 2023. Collection method: clinical testing. Allele origin: germline. Not counted in ClinVar's aggregate classification.
Comment: The c.2095_2096delCA pathogenic mutation, located in coding exon 10 of the BRCA2 gene, results from a deletion of two nucleotides at nucleotide positions 2095 to 2096, causing a translational frameshift with a predicted alternate stop codon (p.Q699Vfs*8). This alteration has been identified in multiple individuals diagnosed with breast and/or ovarian cancer (Chan GHJ et al. Oncotarget, 2018 Jul;9:30649-30660; Dorling et al. N Engl J Med. 2021 02;384:428-439). This alteration was also identified in a large, worldwide study of BRCA1/2 mutation positive families (Rebbeck TR et al. Hum Mutat, 2018 05;39:593-620). This variant is considered to be rare based on population cohorts in the Genome Aggregation Database (gnomAD). In addition to the clinical data presented in the literature, this alteration is expected to result in loss of function by premature protein truncation or nonsense-mediated mRNA decay. As such, this alteration is interpreted as a disease-causing mutation.

Color Diagnostics, LLC DBA Color Health
Classification: Pathogenic for Hereditary cancer-predisposing syndrome. Last evaluated: 2021-03-15. Review status: criteria provided, single submitter. Criteria: ACMG Guidelines, 2015. Collection method: clinical testing. Allele origin: germline. Not counted in ClinVar's aggregate classification.
Comment: This variant deletes 2 nucleotides in exon 11 of the BRCA2 gene, creating a frameshift and premature translation stop signal. This variant is expected to result in an absent or non-functional protein product. This variant has been reported in an individual affected with breast and ovarian cancer (PMID: 30093976). This variant has not been identified in the general population by the Genome Aggregation Database (gnomAD). Loss of BRCA2 function is a known mechanism of disease. Based on the available evidence, this variant is classified as Pathogenic.

GeneKor MSA
Classification: Pathogenic for Hereditary Breast Carcinoma. Last evaluated: 2020-01-01. Review status: criteria provided, single submitter. Criteria: ACMG Guidelines, 2015. Collection method: clinical testing. Allele origin: germline. Affected: yes. Not counted in ClinVar's aggregate classification.
Comment: This variant is a two base pair deletion from exon 11 of the BRCA2 mRNA, causing a frameshift after codon 699 and this creates a premature translational stop signal 8 amino acid residues later. This is expected to result in an absent or disrupted protein product. Truncating variants in BRCA2 are known to be pathogenic (PMID: 20104584). This variant has been described in the international literature in an individual with breast and ovarian cancer (PMID:30093976) and in an individual undergoing panel testing for hereditary syndrome (PMID: 31159747). The mutation database ClinVar contains entries for this variant (Variation ID: 266676).

Consortium of Investigators of Modifiers of BRCA1/2 (CIMBA), c/o University of Cambridge
Classification: Pathogenic for Breast-ovarian cancer, familial, susceptibility to, 2. Last evaluated: 2015-10-02. Review status: criteria provided, single submitter. Criteria: CIMBA Mutation Classification guidelines May 2016. Collection method: clinical testing. Allele origin: germline. Not counted in ClinVar's aggregate classification.

Literature cited by the submitters: PubMed 20104584 (cited by Labcorp Genetics (formerly Invitae), Labcorp and GeneKor MSA); PubMed 30093976 (cited by 3 submitters); PubMed 29446198 (cited by Ambry Genetics); PubMed 33471991 (cited by Ambry Genetics).